The following is an entry in ClinVar:

NM_000350.3(ABCA4):c.3302G>A (p.Trp1101Ter)

Gene: ABCA4 (ATP binding cassette subfamily A member 4; minus strand). Cytogenetic location: 1p22.1.
Variant type: single nucleotide variant.
Coding change: c.3302G>A on transcript NM_000350.3 (MANE Select); coding-DNA position 3302, G replaced by A.
Protein change: p.Trp1101Ter; replaces tryptophan 1101 with a stop codon.
Molecular consequence: nonsense.
Genome position (GRCh38, 1-based): chr1:94,042,787, C>T on the plus strand (G>A on the coding strand, the complement: ABCA4 is on the minus strand). VCF-style: chr1-94042787-C-T. GRCh37 (hg19) VCF-style: chr1-94508343-C-T.
Other names: c.3080G>A, p.Trp1027Ter (NM_001425324.1); short protein forms W1101*, W1027*.
Identifiers: ClinVar variation 866434 (VCV000866434.4), dbSNP rs373868915, ClinGen allele CA957989.

ClinVar aggregate classification (germline): Pathogenic (1 of 4 stars; one submission).

Allele frequency attached by ClinVar (database versions not stated): TOPMed below 0.00001; ExAC 0.00001; ESP Exome Variant Server 0.00008.

Submission:

Labcorp Genetics (formerly Invitae), Labcorp
Classification: Pathogenic. Last evaluated: 2025-07-27. Review status: criteria provided, single submitter. Criteria: Invitae Variant Classification Sherloc (09022015). Collection method: clinical testing. Allele origin: germline.
Comment: This sequence change creates a premature translational stop signal (p.Trp1101*) in the ABCA4 gene. It is expected to result in an absent or disrupted protein product. Loss-of-function variants in ABCA4 are known to be pathogenic (PMID: 10958761, 24938718, 25312043, 26780318). This variant is present in population databases (rs373868915, gnomAD 0.0009%). This premature translational stop signal has been observed in individual(s) with ABCA4-related conditions (PMID: 11379881, 25087612, 28041643). ClinVar contains an entry for this variant (Variation ID: 866434). For these reasons, this variant has been classified as Pathogenic.

Literature cited by the submitters: PubMed 10958761; PubMed 24938718; PubMed 25312043; PubMed 26780318; PubMed 11379881; PubMed 25087612; PubMed 28041643.